The following is an entry in ClinVar:

NM_194248.3(OTOF):c.1696C>T (p.Arg566Trp)

Gene: OTOF (otoferlin; minus strand). Cytogenetic location: 2p23.3.
Variant type: single nucleotide variant.
Coding change: c.1696C>T on transcript NM_194248.3 (MANE Select); coding-DNA position 1696, C replaced by T.
Protein change: p.Arg566Trp; replaces arginine 566 with tryptophan.
Molecular consequence: missense variant.
Genome position (GRCh38, 1-based): chr2:26,480,893, G>A on the plus strand (C>T on the coding strand, the complement: OTOF is on the minus strand). VCF-style: chr2-26480893-G-A. GRCh37 (hg19) VCF-style: chr2-26703761-G-A.
Other names: c.1696C>T, p.Arg566Trp (NM_001287489.2); short protein forms R566W.
Identifiers: ClinVar variation 1333439 (VCV001333439.2), dbSNP rs760584389, ClinGen allele CA1564198.

ClinVar aggregate classification (germline): Uncertain significance. Review status: criteria provided, multiple submitters, no conflicts (2 of 4 stars). 2 submissions from 2 submitters: Uncertain significance (2). Last evaluated 2024-05-10.

Conditions:
Autosomal recessive nonsyndromic hearing loss 9. Also called: OTOF-Related Hearing Loss; AUDITORY NEUROPATHY, AUTOSOMAL RECESSIVE, 1, TEMPERATURE-SENSITIVE; NEUROSENSORY NONSYNDROMIC RECESSIVE DEAFNESS 9; Deafness, autosomal recessive 9. Identifiers: Orphanet 90636, MedGen C1832828, MONDO:0010986, OMIM 601071.

Allele frequency attached by ClinVar (database versions not stated): gnomAD exomes below 0.00001; ExAC 0.00001; TOPMed 0.00002.
gnomAD v4.1: 9 of 1,612,878 alleles (0.00056%); highest among the groups gnomAD compares: South Asian, 0.0022%; no homozygotes.

Submissions (2):

Women's Health and Genetics/Laboratory Corporation of America, LabCorp
Classification: Uncertain significance. Last evaluated: 2024-05-10. Review status: criteria provided, single submitter. Criteria: LabCorp Variant Classification Summary - May 2015. Collection method: clinical testing. Allele origin: germline.
Comment: Variant summary: OTOF c.1696C>T (p.Arg566Trp) results in a non-conservative amino acid change located in the Ferlin, third C2 domain (IPR037722) of the encoded protein sequence. Five of five in-silico tools predict a damaging effect of the variant on protein function. The variant allele was found at a frequency of 4e-06 in 249806 control chromosomes. The available data on variant occurrences in the general population are insufficient to allow any conclusion about variant significance. c.1696C>T has been reported in the literature presumed compound heterozygous with a pathogenic variant in at least 1 individual affected with Nonsyndromic Hearing Loss And Deafness, Type 9 (example, Sloan-Heggen_2016). These data do not allow any conclusion about variant significance. To our knowledge, no experimental evidence demonstrating an impact on protein function has been reported. The following publications have been ascertained in the context of this evaluation (PMID: 26969326, 33256196). ClinVar contains an entry for this variant (Variation ID: 1333439). Based on the evidence outlined above, the variant was classified as uncertain significance.

3billion
Classification: Uncertain significance for Autosomal recessive nonsyndromic hearing loss 9. Last evaluated: 2022-01-03. Review status: criteria provided, single submitter. Criteria: ACMG Guidelines, 2015. Collection method: clinical testing. Allele origin: germline. Affected: yes. Observed: 1 heterozygote.
Comment: The variant observed at an extremely low frequency in the gnomAD v2.1.1 dataset (total allele frequency: 0.000004, PM2_M). In silico tool predictions suggest damaging effect of the variant on gene or gene product (REVEL: 0.876, PP3_P). Therefore, this variant is classified as uncertain significance according to the recommendation of ACMG/AMP guideline.

Literature cited by the submitters: PubMed 26969326 (cited by Women's Health and Genetics/Laboratory Corporation of America, LabCorp); PubMed 33256196 (cited by Women's Health and Genetics/Laboratory Corporation of America, LabCorp).